The following is an entry in ClinVar:

ClinVar aggregate classification (germline): Uncertain significance. Review status: criteria provided, multiple submitters, no conflicts (2 of 4 stars). 2 submissions from 2 submitters: Uncertain significance (2). Last evaluated 2024-02-17.

Conditions:
Cardiovascular phenotype. Identifiers: MedGen CN230736.
Ehlers-Danlos syndrome, kyphoscoliotic type, 2. Also called: FKBP14-Kyphoscoliotic Ehlers-Danlos Syndrome; Ehlers-Danlos syndrome with progressive kyphoscoliosis, myopathy, and hearing loss; Ehlers-Danlos syndrome, kyphoscoliotic and deafness type. Identifiers: Orphanet 300179, MedGen C3281160, MONDO:0013800, OMIM 614557.

Allele frequency attached by ClinVar (database versions not stated): gnomAD exomes below 0.00001.
gnomAD v4.1: 2 of 1,611,856 alleles (0.00012%); highest among the groups gnomAD compares: Non-Finnish European, 0.00017%; no homozygotes.

Submissions (2):

Labcorp Genetics (formerly Invitae), Labcorp
Classification: Uncertain significance for Ehlers-Danlos syndrome, kyphoscoliotic type, 2. Last evaluated: 2024-02-17. Review status: criteria provided, single submitter. Criteria: Invitae Variant Classification Sherloc (09022015). Collection method: clinical testing. Allele origin: germline.
Comment: This sequence change replaces glutamic acid, which is acidic and polar, with aspartic acid, which is acidic and polar, at codon 191 of the FKBP14 protein (p.Glu191Asp). This variant is present in population databases (no rsID available, gnomAD 0.0009%). This variant has not been reported in the literature in individuals affected with FKBP14-related conditions. ClinVar contains an entry for this variant (Variation ID: 1422588). An algorithm developed to predict the effect of missense changes on protein structure and function (PolyPhen-2) suggests that this variant is likely to be disruptive. In summary, the available evidence is currently insufficient to determine the role of this variant in disease. Therefore, it has been classified as a Variant of Uncertain Significance.

Ambry Genetics
Classification: Uncertain significance for Cardiovascular phenotype. Last evaluated: 2021-08-09. Review status: criteria provided, single submitter. Criteria: Ambry Variant Classification Scheme 2023. Collection method: clinical testing. Allele origin: germline.

NM_017946.4(FKBP14):c.573A>T (p.Glu191Asp)

Genes: FKBP14-AS1 (FKBP14 antisense RNA 1; plus strand), FKBP14 (FKBP prolyl isomerase 14; minus strand). Cytogenetic location: 7p14.3.
Variant type: single nucleotide variant.
Coding change: c.573A>T on transcript NM_017946.4 (MANE Select); coding-DNA position 573, A replaced by T.
Protein change: p.Glu191Asp; replaces glutamic acid 191 with aspartic acid.
Molecular consequence: missense variant. On other transcripts: non-coding transcript variant (2).
Genome position (GRCh38, 1-based): chr7:30,014,798, T>A on the plus strand (A>T on the coding strand, the complement: FKBP14 is on the minus strand). VCF-style: chr7-30014798-T-A. GRCh37 (hg19) VCF-style: chr7-30054414-T-A.
Other names: c.573A>T (NM_017946.2); short protein forms E191D.
Identifiers: ClinVar variation 1422588 (VCV001422588.9), dbSNP rs1283044971, ClinGen allele CA367116253.